The following is an entry in ClinVar:

ClinVar aggregate classification (germline): Benign. Review status: criteria provided, multiple submitters, no conflicts (2 of 4 stars). 3 submissions from 3 submitters: Benign (2). 1 of the submissions does not count toward it. Last evaluated 2026-01-25.

Conditions:
OPLAH-related disorder. Also called: OPLAH-related condition.
5-Oxoprolinase deficiency (OPLAHD). Also called: 5-OXOPROLINURIA DUE TO 5-OXOPROLINASE DEFICIENCY. Identifiers: Orphanet 33572, MedGen C0268525, MONDO:0009825, OMIM 260005, HP:0040142.

Allele frequency attached by ClinVar (database versions not stated): gnomAD exomes 0.00420 and 0.01051; ExAC 0.01307; gnomAD 0.04103 and 0.04434; 1000 Genomes Project 0.04133; 1000 Genomes Project 30x 0.04341; ESP Exome Variant Server 0.04576; TOPMed 0.04676.
gnomAD v4.1: 12,611 of 1,607,212 alleles (0.78%); highest among the groups gnomAD compares: African/African-American, 14%; 837 homozygotes.

Submissions (3):

Labcorp Genetics (formerly Invitae), Labcorp
Classification: Benign for 5-Oxoprolinase deficiency. Last evaluated: 2026-01-25. Review status: criteria provided, single submitter. Criteria: Invitae Variant Classification Sherloc (09022015). Collection method: clinical testing. Allele origin: germline.

Breakthrough Genomics
Classification: Benign. Review status: criteria provided, single submitter. Criteria: ACMG Guidelines, 2015. Collection method: not provided. Allele origin: germline. Inheritance: Autosomal recessive inheritance. Affected: yes.

PreventionGenetics, part of Exact Sciences
Classification: Benign for OPLAH-related condition. Last evaluated: 2020-02-19. Review status: no assertion criteria provided. Collection method: clinical testing. Allele origin: germline. Not counted in ClinVar's aggregate classification.
Comment: This variant is classified as benign based on ACMG/AMP sequence variant interpretation guidelines (Richards et al. 2015 PMID: 25741868, with internal and published modifications).

NM_017570.5(OPLAH):c.2636C>T (p.Ala879Val)

Gene: OPLAH (5-oxoprolinase, ATP-hydrolysing; minus strand). Cytogenetic location: 8q24.3.
Variant type: single nucleotide variant.
Coding change: c.2636C>T on transcript NM_017570.5 (MANE Select); coding-DNA position 2636, C replaced by T.
Protein change: p.Ala879Val; replaces alanine 879 with valine.
Molecular consequence: missense variant.
Genome position (GRCh38, 1-based): chr8:144,054,611, G>A on the plus strand (C>T on the coding strand, the complement: OPLAH is on the minus strand). VCF-style: chr8-144054611-G-A. GRCh37 (hg19) VCF-style: chr8-145109514-G-A.
Other names: c.2636C>T (NM_017570.4); short protein forms A879V.
Identifiers: ClinVar variation 1170468 (VCV001170468.10), dbSNP rs61743013, ClinGen allele CA4931396.